The following is an entry in ClinVar:

ClinVar aggregate classification (germline): Pathogenic. Review status: reviewed by expert panel (3 of 4 stars). 3 submissions from 3 submitters: Pathogenic (1). 2 of the submissions do not count toward it. Last evaluated 2016-09-08.

Conditions:
Breast-ovarian cancer, familial, susceptibility to, 2 (BROVCA2). Also called: BRCA2 Hereditary Breast and Ovarian Cancer. Identifiers: Orphanet 145, MedGen C2675520, MONDO:0012933, OMIM 612555. Disease mechanism: loss of function.

Submissions (3):

Evidence-based Network for the Interpretation of Germline Mutant Alleles (ENIGMA)
Classification: Pathogenic for Breast-ovarian cancer, familial, susceptibility to, 2. Last evaluated: 2016-09-08. Review status: reviewed by expert panel. Criteria: ENIGMA BRCA1/2 Classification Criteria (2015). Collection method: curation. Allele origin: germline.
Comment: Variant allele predicted to encode a truncated non-functional protein.

Consortium of Investigators of Modifiers of BRCA1/2 (CIMBA), c/o University of Cambridge
Classification: Pathogenic for Breast-ovarian cancer, familial, susceptibility to, 2. Last evaluated: 2015-10-02. Review status: criteria provided, single submitter. Criteria: CIMBA Mutation Classification guidelines May 2016. Collection method: clinical testing. Allele origin: germline. Not counted in ClinVar's aggregate classification.

Breast Cancer Information Core (BIC) (BRCA2)
Classification: Uncertain significance for Breast-ovarian cancer, familial 2. Last evaluated: 2005-11-29. Review status: no assertion criteria provided. Collection method: clinical testing. Allele origin: germline. Affected: yes. Observed: 1 variant allele. Not counted in ClinVar's aggregate classification.

NM_000059.4(BRCA2):c.6449_6450insTA (p.Lys2150fs)

Gene: BRCA2 (BRCA2 DNA repair associated; plus strand). Cytogenetic location: 13q13.1.
Variant type: Insertion.
Coding change: c.6449_6450insTA on transcript NM_000059.4 (MANE Select); coding-DNA positions 6449 to 6450, TA inserted.
Protein change: p.Lys2150fs; shifts the reading frame from lysine 2150.
Molecular consequence: frameshift variant.
Genome position: GRCh38 VCF-style: chr13-32340803-A-AAT. GRCh37 (hg19) VCF-style: chr13-32914940-A-AAT.
Other names: 6677insTA; short protein forms K2150fs.
Identifiers: ClinVar variation 126102 (VCV000126102.5), dbSNP rs276174872, ClinGen allele CA024067.